The following is an entry in ClinVar:

NM_000400.4(ERCC2):c.687C>T (p.Ala229=)

Gene: ERCC2 (ERCC excision repair 2, TFIIH core complex helicase subunit; minus strand). Cytogenetic location: 19q13.32.
Variant type: single nucleotide variant.
Coding change: c.687C>T on transcript NM_000400.4 (MANE Select); coding-DNA position 687, C replaced by T.
Protein change: p.Ala229=; no amino-acid change (alanine 229 retained).
Molecular consequence: synonymous variant.
Genome position (GRCh38, 1-based): chr19:45,364,455, G>A on the plus strand (C>T on the coding strand, the complement: ERCC2 is on the minus strand). VCF-style: chr19-45364455-G-A. GRCh37 (hg19) VCF-style: chr19-45867713-G-A.
Other names: c.615C>T, p.Ala205= (NM_001130867.2).
Identifiers: ClinVar variation 739584 (VCV000739584.42), dbSNP rs34021577, ClinGen allele CA9513682.

ClinVar aggregate classification (germline): Benign/Likely benign. Review status: criteria provided, multiple submitters, no conflicts (2 of 4 stars). 8 submissions from 8 submitters: Benign (1); Likely benign (4). 3 of the submissions do not count toward it. Last evaluated 2026-02-02.

Conditions:
ERCC2-related disorder. Also called: ERCC2-related conditions; ERCC2-related condition; ERCC2-related disorders. Identifiers: MedGen CN239291.
Inborn genetic diseases. Identifiers: MedGen C0950123, MeSH D030342.
Xeroderma pigmentosum (XP). Identifiers: Orphanet 910, MedGen C0043346, MONDO:0019600.

Allele frequency attached by ClinVar (database versions not stated): gnomAD exomes 0.00023 and 0.00066; ExAC 0.00078; 1000 Genomes Project 30x 0.00203; 1000 Genomes Project 0.00220; gnomAD 0.00224 and 0.00234; ESP Exome Variant Server 0.00246; TOPMed 0.00272.
gnomAD v4.1: 693 of 1,613,984 alleles (0.043%); highest among the groups gnomAD compares: African/African-American, 0.74%; 5 homozygotes.

Submissions (8):

Labcorp Genetics (formerly Invitae), Labcorp
Classification: Benign. Last evaluated: 2026-02-02. Review status: criteria provided, single submitter. Criteria: Invitae Variant Classification Sherloc (09022015). Collection method: clinical testing. Allele origin: germline.

CeGaT Center for Human Genetics Tuebingen
Classification: Likely benign. Last evaluated: 2023-01-01. Review status: criteria provided, single submitter. Criteria: CeGaT Center For Human Genetics Tuebingen Variant Classification Criteria Version 2. Collection method: clinical testing. Allele origin: germline. Affected: yes. Observed: 2 variant alleles.
Comment: ERCC2: BP4, BP7, BS2

Ambry Genetics
Classification: Likely benign for Inborn genetic diseases. Last evaluated: 2022-02-12. Review status: criteria provided, single submitter. Criteria: Ambry Variant Classification Scheme 2023. Collection method: clinical testing. Allele origin: germline.

GeneDx
Classification: Likely benign. Last evaluated: 2021-05-18. Review status: criteria provided, single submitter. Criteria: GeneDx Variant Classification Process June 2021. Collection method: clinical testing. Allele origin: germline. Affected: yes.

Sema4
Classification: Likely benign for Xeroderma pigmentosum. Last evaluated: 2021-05-10. Review status: criteria provided, single submitter. Criteria: Sema4 Curation Guidelines. Collection method: curation. Allele origin: germline.

PreventionGenetics, part of Exact Sciences
Classification: Benign for ERCC2-related condition. Last evaluated: 2019-06-18. Review status: no assertion criteria provided. Collection method: clinical testing. Allele origin: germline. Not counted in ClinVar's aggregate classification.
Comment: This variant is classified as benign based on ACMG/AMP sequence variant interpretation guidelines (Richards et al. 2015 PMID: 25741868, with internal and published modifications).

Clinical Genetics DNA and cytogenetics Diagnostics Lab, Erasmus MC, Erasmus Medical Center
Classification: Likely benign. Review status: no assertion criteria provided. Collection method: clinical testing. Allele origin: germline. Affected: yes. Study: VKGL Data-share Consensus. Not counted in ClinVar's aggregate classification.

Genome Diagnostics Laboratory, Amsterdam University Medical Center
Classification: Benign. Review status: no assertion criteria provided. Collection method: clinical testing. Allele origin: germline. Affected: yes. Study: VKGL Data-share Consensus. Not counted in ClinVar's aggregate classification.